The following is an entry in ClinVar:

NM_001367943.1(TCF7L2):c.127G>A (p.Asp43Asn)

Gene: TCF7L2 (transcription factor 7 like 2; plus strand). Cytogenetic location: 10q25.2.
Variant type: single nucleotide variant.
Coding change: c.127G>A on transcript NM_001367943.1 (MANE Select); coding-DNA position 127, G replaced by A.
Protein change: p.Asp43Asn; replaces aspartic acid 43 with asparagine.
Molecular consequence: missense variant.
Genome position (GRCh38, 1-based): chr10:112,950,883, G>A. VCF-style: chr10-112950883-G-A. GRCh37 (hg19) VCF-style: chr10-114710642-G-A.
Other names: c.127G>A, p.Asp43Asn (NM_001146274.2, NM_001146283.2, NM_001146284.2 and 11 more transcripts); short protein forms D43N.
Identifiers: ClinVar variation 3772223 (VCV003772223.13).
Genomic context (GRCh38, chr10:112,950,883, plus strand): 5'-GACGAGGGCGAACAGGAGGAGAAGAGCTCCGAAAACTCCTCGGCAGAGAGGGATTTAGCT[G>A]ATGTCAAATCGTCTCTAGTCAATGAATCAGAAACGAATCAAAACAGCTCCTCCGATTCCG-3'
Protein context (NP_001354872.1, residues 33-53): ENSSAERDLA[Asp43Asn]VKSSLVNESE

ClinVar aggregate classification (germline): Uncertain significance (1 of 4 stars; one submission).

Submission:

CeGaT Center for Human Genetics Tuebingen
Classification: Uncertain significance. Last evaluated: 2025-01-01. Review status: criteria provided, single submitter. Criteria: CeGaT Center For Human Genetics Tuebingen Variant Classification Criteria Version 2. Collection method: clinical testing. Allele origin: germline. Affected: yes. Observed: 1 variant allele.
Comment: TCF7L2: PM2, PP3